The following is an entry in ClinVar:

ClinVar aggregate classification (germline): Uncertain significance (1 of 4 stars; one submission).

Allele frequency attached by ClinVar (database versions not stated): gnomAD exomes below 0.00001; gnomAD 0.00001.
gnomAD v4.1: 2 of 1,613,560 alleles (0.00012%); highest among the groups gnomAD compares: African/African-American, 0.0027%; no homozygotes.

Submission:

GeneDx
Classification: Uncertain significance. Last evaluated: 2018-05-25. Review status: criteria provided, single submitter. Criteria: GeneDx Variant Classification (06012015). Collection method: clinical testing. Allele origin: germline. Affected: yes.
Comment: The E404G variant of uncertain significance in the TXNRD2 gene has not been published as pathogenic or been reported as benign to our knowledge. This variant is not observed in large population cohorts (Lek et al., 2016). The E404G variant is a non-conservative amino acid substitution, which is likely to impact secondary protein structure as these residues differ in polarity, charge, size and/or other properties. In-silico analyses, including protein predictors and evolutionary conservation, support a deleterious effect. However, this variant lacks observation in a significant number of affected individuals, segregation data, and functional evidence, which would further clarify its pathogenicity.Therefore, based on the currently available information, it is unclear whether this variant is pathogenic or benign.

NM_006440.5(TXNRD2):c.1211A>G (p.Glu404Gly)

Gene: TXNRD2 (thioredoxin reductase 2; minus strand). Cytogenetic location: 22q11.21.
Variant type: single nucleotide variant.
Coding change: c.1211A>G on transcript NM_006440.5 (MANE Select); coding-DNA position 1211, A replaced by G.
Protein change: p.Glu404Gly; replaces glutamic acid 404 with glycine.
Molecular consequence: missense variant. On other transcripts: non-coding transcript variant (1).
Genome position (GRCh38, 1-based): chr22:19,880,243, T>C on the plus strand (A>G on the coding strand, the complement: TXNRD2 is on the minus strand). VCF-style: chr22-19880243-T-C. GRCh37 (hg19) VCF-style: chr22-19867766-T-C.
Other names: c.1208A>G, p.Glu403Gly (NM_001352300.2); c.1121A>G, p.Glu374Gly (NM_001352301.2); c.923A>G, p.Glu308Gly (NM_001352302.2); short protein forms E404G, E308G, E374G, E403G.
Identifiers: ClinVar variation 546483 (VCV000546483.2), dbSNP rs1435686741, ClinGen allele CA410680986.
Genomic context (GRCh38, chr22:19,880,243, plus strand): 5'-ACATGCTCCTGCCCGTGGCGAGCCACTGCCTCCTCCTCGGACAGCCCCACACAGCCATAC[T>C]CCAGCGGGGTGAAGACGGTCGTGGGAACCTGAAAGCAGGTCTGGAGTCAGGGAGGGCCCT-3'
Protein context (NP_006431.2, residues 394-414): NVPTTVFTPL[Glu404Gly]YGCVGLSEEE